The following is an entry in ClinVar:

ClinVar aggregate classification (germline): Uncertain significance. Review status: criteria provided, multiple submitters, no conflicts (2 of 4 stars). 2 submissions from 2 submitters: Uncertain significance (2). Last evaluated 2023-06-02.

Conditions:
Intellectual developmental disorder with abnormal behavior, microcephaly, and short stature. Identifiers: MedGen C5193039, MONDO:0032687, OMIM 618342.
Inborn genetic diseases. Identifiers: MedGen C0950123, MeSH D030342.

Allele frequency attached by ClinVar (database versions not stated): TOPMed 0.00003; gnomAD 0.00005; ESP Exome Variant Server 0.00008; ExAC 0.00009; gnomAD exomes 0.00009.
gnomAD v4.1: 144 of 1,607,846 alleles (0.009%); highest among the groups gnomAD compares: South Asian, 0.057%; no homozygotes.

Submissions (2):

Neuberg Centre For Genomic Medicine, NCGM
Classification: Uncertain significance for Intellectual developmental disorder with abnormal behavior, microcephaly, and short stature. Last evaluated: 2023-06-02. Review status: criteria provided, single submitter. Criteria: ACMG Guidelines, 2015. Collection method: clinical testing. Allele origin: germline. Inheritance: Autosomal recessive inheritance. Affected: yes.
Comment: The observed missense c.403T>G(p.Ser135Ala) variant in PUS7 gene has not been reported previoualy as a pathogenic variant nor a benign variant, to our knowledge. The p.Ser135Ala variant has been reported with allele frequency of 0.008% in gnomAD Exomes. This variant has not been submitted to the ClinVar database. Multiple lines of computational evidences (Polyphen - Possibly damaging, SIFT - Tolerated and MutationTaster - Disease causing) predict conflicting evidence on protein structure and function for this variant. The reference amino acid change at this position on PUS7 gene is predicted as conserved by GERP++ and PhyloP across 100 vertebrates. The amino acid Ser at position 135 is changed to a Ala changing protein sequence and it might alter its composition and physico-chemical properties. For these reasons, this variant has been classified as a Variant of Uncertain Significance (VUS).

Ambry Genetics
Classification: Uncertain significance for Inborn genetic diseases. Last evaluated: 2023-05-30. Review status: criteria provided, single submitter. Criteria: Ambry Variant Classification Scheme 2023. Collection method: clinical testing. Allele origin: germline.

NM_019042.5(PUS7):c.403T>G (p.Ser135Ala)

Gene: PUS7 (pseudouridine synthase 7; minus strand). Cytogenetic location: 7q22.3.
Variant type: single nucleotide variant.
Coding change: c.403T>G on transcript NM_019042.5 (MANE Select); coding-DNA position 403, T replaced by G.
Protein change: p.Ser135Ala; replaces serine 135 with alanine.
Molecular consequence: missense variant.
Genome position (GRCh38, 1-based): chr7:105,506,269, A>C on the plus strand (T>G on the coding strand, the complement: PUS7 is on the minus strand). VCF-style: chr7-105506269-A-C. GRCh37 (hg19) VCF-style: chr7-105146716-A-C.
Other names: c.403T>G, p.Ser135Ala (NM_001318163.1, NM_001318164.2); short protein forms S135A.
Identifiers: ClinVar variation 2508056 (VCV002508056.5), dbSNP rs369037610, ClinGen allele CA4426200.